The following is an entry in ClinVar:

NM_021072.4(HCN1):c.1760C>T (p.Ala587Val)

Gene: HCN1 (hyperpolarization activated cyclic nucleotide gated potassium channel 1; minus strand). Cytogenetic location: 5p12.
Variant type: single nucleotide variant.
Coding change: c.1760C>T on transcript NM_021072.4 (MANE Select); coding-DNA position 1760, C replaced by T.
Protein change: p.Ala587Val; replaces alanine 587 with valine.
Molecular consequence: missense variant.
Genome position (GRCh38, 1-based): chr5:45,267,112, G>A on the plus strand (C>T on the coding strand, the complement: HCN1 is on the minus strand). VCF-style: chr5-45267112-G-A. GRCh37 (hg19) VCF-style: chr5-45267214-G-A.
Other names: short protein forms A587V.
Identifiers: ClinVar variation 3383802 (VCV003383802.1).

ClinVar aggregate classification (germline): Uncertain significance (1 of 4 stars; one submission).

Submission:

GeneDx
Classification: Uncertain significance. Last evaluated: 2024-05-30. Review status: criteria provided, single submitter. Criteria: GeneDx Variant Classification Process June 2021. Collection method: clinical testing. Allele origin: germline. Affected: yes.
Comment: Not observed at significant frequency in large population cohorts (gnomAD); In silico analysis supports that this missense variant has a deleterious effect on protein structure/function; Has not been previously published as pathogenic or benign to our knowledge